The following is an entry in ClinVar:

NM_000256.3(MYBPC3):c.2198G>A (p.Arg733His)

Gene: MYBPC3 (myosin binding protein C3; minus strand). Cytogenetic location: 11p11.2.
Variant type: single nucleotide variant.
Coding change: c.2198G>A on transcript NM_000256.3 (MANE Select); coding-DNA position 2198, G replaced by A.
Protein change: p.Arg733His; replaces arginine 733 with histidine.
Molecular consequence: missense variant.
Genome position (GRCh38, 1-based): chr11:47,338,630, C>T on the plus strand (G>A on the coding strand, the complement: MYBPC3 is on the minus strand). VCF-style: chr11-47338630-C-T. GRCh37 (hg19) VCF-style: chr11-47360181-C-T.
Other names: p.R733H:CGC>CAC; c.2198G>A, p.Arg733His (LRG_386t1); short protein forms R733H.
Identifiers: ClinVar variation 181126 (VCV000181126.30), dbSNP rs534345197, ClinGen allele CA011887.
Genomic context (GRCh38, chr11:47,338,630, plus strand): 5'-ACTGTGACCGTGTAGACGCCCTCATCTTCCTTCTCTGCCCCCTCGACCGTGAAGATGCTG[C>T]GGTCCTTGGTGGTCTCCACGCGGACCCGGCCCTCGGTCTCACACAGCAGCTGGGGGGGTG-3'
Protein context (NP_000247.2, residues 723-743): GRVRVETTKD[Arg733His]SIFTVEGAEK

ClinVar aggregate classification (germline): Uncertain significance. Review status: criteria provided, multiple submitters, no conflicts (2 of 4 stars). 15 submissions from 15 submitters: Uncertain significance (13). 2 of the submissions do not count toward it. Last evaluated 2026-01-26.

Conditions:
MYBPC3-related disorder. Also called: MYBPC3-related disorders; MYBPC3-related condition; MYBPC3-related disease.
Cardiovascular phenotype. Identifiers: MedGen CN230736.
Hypertrophic cardiomyopathy 4. Also called: Familial hypertrophic cardiomyopathy 4. Identifiers: MedGen C1861862, MONDO:0007268, OMIM 115197.
Left ventricular noncompaction 10 (LVNC10). Identifiers: Orphanet 154, Orphanet 54260, MedGen C3715165, MONDO:0014163, OMIM 615396.
Cardiomyopathy (CMYO). Also called: Cardiomyopathies. Identifiers: Orphanet 167848, MedGen C0878544, MONDO:0004994, HP:0001638. Inheritance: Various modes of inheritance.
Hypertrophic cardiomyopathy. Also called: HYPERTROPHIC MYOCARDIOPATHY. Identifiers: Orphanet 217569, MedGen C0007194, MeSH D002312, MONDO:0005045, HP:0001639.

Allele frequency attached by ClinVar (database versions not stated): gnomAD 0.00003 and 0.00007; TOPMed 0.00005; 1000 Genomes Project 0.00020; 1000 Genomes Project 30x 0.00031.
gnomAD v4.1: 84 of 1,613,910 alleles (0.0052%); highest among the groups gnomAD compares: Middle Eastern, 0.083%; no homozygotes.

Submissions (15):

Ambry Genetics
Classification: Uncertain significance for Cardiovascular phenotype. Last evaluated: 2026-01-26. Review status: criteria provided, single submitter. Criteria: Ambry Variant Classification Scheme 2023. Collection method: clinical testing. Allele origin: germline.
Comment: The p.R733H variant (also known as c.2198G>A), located in coding exon 23 of the MYBPC3 gene, results from a G to A substitution at nucleotide position 2198. The arginine at codon 733 is replaced by histidine, an amino acid with highly similar properties. This variant co-occurred with a TNNT2 variant in an individual with hypertrophic cardiomyopathy (HCM), and was also detected in unaffected relatives (Garc&iacute;a-Castro M et al. Rev Esp Cardiol, 2009 Jan;62:48-56). This variant has also been detected in HCM cohorts; however, detail was limited (Cecconi M et al. Int. J. Mol. Med., 2016 Oct;38:1111-24; G&oacute;mez J et al. Circ Cardiovasc Genet, 2017 Apr;10; Walsh R et al. Genet. Med., 2017 02;19:192-203; Sheikh N et al. Circulation. 2018 09;138(12):1184-1194). This amino acid position is not well conserved in available vertebrate species, and histidine is the reference amino acid in other vertebrate species. In addition, the in silico prediction for this alteration is inconclusive. Since supporting evidence is limited at this time, the clinical significance of this alteration remains unclear.

Labcorp Genetics (formerly Invitae), Labcorp
Classification: Uncertain significance for Hypertrophic cardiomyopathy. Last evaluated: 2025-12-19. Review status: criteria provided, single submitter. Criteria: Invitae Variant Classification Sherloc (09022015). Collection method: clinical testing. Allele origin: germline.
Comment: This sequence change replaces arginine, which is basic and polar, with histidine, which is basic and polar, at codon 733 of the MYBPC3 protein (p.Arg733His). This variant is present in population databases (rs534345197, gnomAD 0.01%). This missense change has been observed in individual(s) with dilated cardiomyopathy and/or hypertrophic cardiomyopathy (PMID: 19150014, 27532257, 29764897, 37652022, 37904629). ClinVar contains an entry for this variant (Variation ID: 181126). An algorithm developed to predict the effect of missense changes on protein structure and function (PolyPhen-2) suggests that this variant is likely to be tolerated. In summary, the available evidence is currently insufficient to determine the role of this variant in disease. Therefore, it has been classified as a Variant of Uncertain Significance.

PreventionGenetics, part of Exact Sciences
Classification: Uncertain significance for MYBPC3-related condition. Last evaluated: 2025-10-31. Review status: criteria provided, single submitter. Criteria: ACMG Guidelines, 2015. Collection method: clinical testing. Allele origin: germline.
Comment: The MYBPC3 c.2198G>A variant is predicted to result in the amino acid substitution p.Arg733His. This variant has been reported in individuals with hypertrophic cardiomyopathy (García-Castro et al. 2009. PubMed ID: 19150014; Table S1A, Walsh et al. 2017. PubMed ID: 27532257; Table S2, Tadros et al. 2021. PubMed ID: 33495596). However, this variant was also documented in unaffected family members or in reference populations (García-Castro et al. 2009. PubMed ID: 19150014; Table S8, McGurk et al. 2023. PubMed ID: 37652022). This variant is reported in 0.010% of alleles in individuals of East Asian descent in gnomAD. At this time, the clinical significance of this variant is uncertain due to the absence of conclusive functional and genetic evidence.

Molecular Diagnostic Laboratory for Inherited Cardiovascular Disease, Montreal Heart Institute
Classification: Uncertain significance for Cardiovascular phenotype. Last evaluated: 2025-04-09. Review status: criteria provided, single submitter. Criteria: ACMG Guidelines, 2015. Collection method: clinical testing. Allele origin: germline. Affected: yes.

GeneDx
Classification: Uncertain significance. Last evaluated: 2025-03-06. Review status: criteria provided, single submitter. Criteria: GeneDx Variant Classification Process June 2021. Collection method: clinical testing. Allele origin: germline. Affected: yes.
Comment: Identified in patients with HCM in published literature; however, at least one proband harbored an additional variant that likely contributed to the phenotype, and several unaffected relatives were found to be heterozygous for this variant (PMID: 19150014, 20800588, 27532257, 37652022); In silico analysis supports that this missense variant does not alter protein structure/function; This variant is associated with the following publications: (PMID: 20800588, 27532257, 37652022, 19150014)

Revvity Omics, Revvity
Classification: Uncertain significance. Last evaluated: 2025-01-17. Review status: criteria provided, single submitter. Criteria: ACMG Guidelines, 2015. Collection method: clinical testing. Allele origin: germline.

Blueprint Genetics
Classification: Uncertain significance. Last evaluated: 2024-09-25. Review status: criteria provided, single submitter. Criteria: ACMG Guidelines, 2015. Collection method: clinical testing. Allele origin: germline.

All of Us Research Program, National Institutes of Health
Classification: Uncertain significance for Hypertrophic cardiomyopathy. Last evaluated: 2024-07-29. Review status: criteria provided, single submitter. Criteria: ACMG Guidelines, 2015. Collection method: clinical testing. Allele origin: germline. Inheritance: Autosomal dominant inheritance. Observed: 10 variant alleles, 10 heterozygotes.
Comment: This missense variant replaces arginine with histidine at codon 733 of the MYBPC3 protein. Computational prediction suggests that this variant may not impact protein structure and function (internally defined REVEL score threshold <= 0.5, PMID: 27666373). Splice site prediction tools suggest that this variant may not impact RNA splicing. To our knowledge, functional studies have not been performed for this variant. This variant has been reported in two individuals affected with hypertrophic cardiomyopathy (PMID: 19150014, 27600940). This variant has also been identified in 14/280128 chromosomes in the general population by the Genome Aggregation Database (gnomAD). The available evidence is insufficient to determine the role of this variant in disease conclusively. Therefore, this variant is classified as a Variant of Uncertain Significance.

This study involves interpretation of variants in research participants for the purpose of population health screening. Participant phenotype was not available at the time of variant classification. Additional details can be found in publication PMID: 35346344, PMCID: PMC8962531

Color Diagnostics, LLC DBA Color Health
Classification: Uncertain significance for Cardiomyopathy. Last evaluated: 2024-07-17. Review status: criteria provided, single submitter. Criteria: ACMG Guidelines, 2015. Collection method: clinical testing. Allele origin: germline.
Comment: This missense variant replaces arginine with histidine at codon 733 of the MYBPC3 protein. Computational prediction tools indicate that this variant has a neutral impact on protein structure and function. To our knowledge, functional studies have not been reported for this variant. This variant has been reported in individuals affected with hypertrophic cardiomyopathy (PMID: 19150014, 27532257, 27600940, 29764897, 32841044, 33495596, 33495597), and in an individual affected with dilated cardiomyopathy (PMID: 37904629). This variant has been identified in 14/280128 chromosomes in the general population by the Genome Aggregation Database (gnomAD). The available evidence is insufficient to determine the role of this variant in disease conclusively. Therefore, this variant is classified as a Variant of Uncertain Significance.

CHEO Genetics Diagnostic Laboratory, Children's Hospital of Eastern Ontario
Classification: Uncertain significance for Cardiomyopathy. Last evaluated: 2022-06-15. Review status: criteria provided, single submitter. Criteria: ACMG Guidelines, 2015. Collection method: clinical testing. Allele origin: germline. Study: Canadian Open Genetics Repository.

Fulgent Genetics
Classification: Uncertain significance for Hypertrophic cardiomyopathy 4; Left ventricular noncompaction 10. Last evaluated: 2021-12-15. Review status: criteria provided, single submitter. Criteria: ACMG Guidelines, 2015. Collection method: clinical testing. Allele origin: unknown.

Mendelics
Classification: Uncertain significance for Hypertrophic cardiomyopathy 4. Last evaluated: 2019-05-28. Review status: criteria provided, single submitter. Criteria: Mendelics Assertion Criteria 2017. Collection method: clinical testing. Allele origin: unknown.

Genome Diagnostics Laboratory, University Medical Center Utrecht
Classification: Uncertain significance for Hypertrophic cardiomyopathy 4. Last evaluated: 2016-03-03. Review status: criteria provided, single submitter. Criteria: ACGS Guidelines, 2013. Collection method: clinical testing. Allele origin: germline. Affected: yes. Study: VKGL Data-share Consensus.

Clinical Genetics DNA and cytogenetics Diagnostics Lab, Erasmus MC, Erasmus Medical Center
Classification: Uncertain significance. Review status: no assertion criteria provided. Collection method: clinical testing. Allele origin: germline. Affected: yes. Study: VKGL Data-share Consensus. Not counted in ClinVar's aggregate classification.

Diagnostic Laboratory, Department of Genetics, University Medical Center Groningen
Classification: Uncertain significance for Hypertrophic cardiomyopathy 4. Review status: no assertion criteria provided. Collection method: clinical testing. Allele origin: germline. Affected: yes. Study: VKGL Data-share Consensus. Not counted in ClinVar's aggregate classification.

Literature cited by the submitters: PubMed 15519027 (cited by Ambry Genetics); PubMed 19150014 (cited by 4 submitters); PubMed 20800588 (cited by Ambry Genetics); PubMed 21750094 (cited by Ambry Genetics); PubMed 27532257 (cited by 3 submitters); PubMed 27600940 (cited by 3 submitters); PubMed 28356264 (cited by Ambry Genetics); PubMed 28840316 (cited by Ambry Genetics); PubMed 29764897 (cited by 3 submitters); PubMed 29875424 (cited by Ambry Genetics); PubMed 32841044 (cited by Ambry Genetics and Color Diagnostics, LLC DBA Color Health); PubMed 33954932 (cited by Ambry Genetics); PubMed 37652022 (cited by Labcorp Genetics (formerly Invitae), Labcorp); PubMed 37904629 (cited by Labcorp Genetics (formerly Invitae), Labcorp and Color Diagnostics, LLC DBA Color Health); PubMed 33495596 (cited by Color Diagnostics, LLC DBA Color Health); PubMed 33495597 (cited by Color Diagnostics, LLC DBA Color Health).